The following is an entry in ClinVar:

ClinVar aggregate classification (germline): Conflicting classifications of pathogenicity. Review status: criteria provided, conflicting classifications (1 of 4 stars). 4 submissions from 4 submitters: Likely pathogenic (3); Uncertain significance (1). Last evaluated 2026-09-03.

Conditions:
Cardiovascular phenotype. Identifiers: MedGen CN230736.
Autosomal recessive limb-girdle muscular dystrophy type 2J (LGMDR10). Also called: MUSCULAR DYSTROPHY, LIMB-GIRDLE, AUTOSOMAL RECESSIVE 10; Limb-girdle muscular dystrophy, type 2J. Identifiers: Orphanet 140922, MedGen C1837342, MONDO:0012127, OMIM 608807.
Dilated cardiomyopathy 1G (CMD1G). Identifiers: Orphanet 154, MedGen C1858763, MONDO:0011400, OMIM 604145.

gnomAD v4.1: 1 of 1,613,836 alleles (0.000062%); highest among the groups gnomAD compares: African/African-American, 0.0013%; no homozygotes.

Submissions (4):

GeneDx
Classification: Likely pathogenic. Last evaluated: 2026-09-03. Review status: criteria provided, single submitter. Criteria: GeneDx Variant Classification Process June 2021. Collection method: clinical testing. Allele origin: germline.
Comment: Has not been previously published as pathogenic or benign to our knowledge; Not observed at significant frequency in large population cohorts (gnomAD); Nonsense variant predicted to result in protein truncation, as the last 52 amino acids are lost, and other loss-of-function variants have been reported downstream in HGMD; Located in the M-band, a region of TTN for which truncating variants are significantly associated with autosomal recessive skeletal myopathies and also with autosomal dominant cardiomyopathy (PMID: 17444505, 32778822, 36637017); This variant is associated with the following publications: (PMID: 17444505, 32778822, 36637017)

Variantyx, Inc.
Classification: Likely pathogenic for Dilated cardiomyopathy 1G. Last evaluated: 2025-09-16. Review status: criteria provided, single submitter. Criteria: Variantyx Assertion Criteria 2022. Collection method: clinical testing. Allele origin: germline. Inheritance: Autosomal dominant inheritance. Affected: yes.
Comment: This is a nonsense variant in the TTN gene (OMIM: 188840). Pathogenic variants in this gene have been associated with autosomal dominant dilated cardiomyopathy 1G. This variant introduces a premature termination codon in exon 363 out of 363and is expected to result in loss of function. This variant is located in the M band of TTN (PMID: 25589632). Truncating variants in this region that are encoded in constitutive exons (PSI >90%) have been found to be significantly associated with dilated cardiomyopathy (PMID: 25589632, 27869827) (PVS1). This variant has a 0.0024% maximum allele frequency in non-founder control populations (PM2). Based on the current evidence, this variant is classified as likely pathogenic for autosomal dominant dilated cardiomyopathy 1G.

Ambry Genetics
Classification: Uncertain significance for Cardiovascular phenotype. Last evaluated: 2025-02-20. Review status: criteria provided, single submitter. Criteria: Ambry Variant Classification Scheme 2023. Collection method: clinical testing. Allele origin: germline.
Comment: The p.Q26875* variant (also known as c.80623C>T), located in coding exon 190 of the TTN gene, results from a C to T substitution at nucleotide position 80623. This changes the amino acid from a glutamine to a stop codon within coding exon 190. This exon is located in the M-band region of the N2-B isoform of the titin protein and is constitutively expressed in TTN transcripts (percent spliced in or PSI 100%). This variant occurs at the 3' terminus of the TTN gene, is not expected to trigger nonsense-mediated mRNAdecay, and only impacts the last 52 amino acids of the protein. The exact functional effect of this alteration is unknown. Based on the available evidence, the clinical significance of this variant remains unclear.

Labcorp Genetics (formerly Invitae), Labcorp
Classification: Likely pathogenic for Dilated cardiomyopathy 1G; Autosomal recessive limb-girdle muscular dystrophy type 2J. Last evaluated: 2024-09-12. Review status: criteria provided, single submitter. Criteria: Invitae Variant Classification Sherloc (09022015). Collection method: clinical testing. Allele origin: germline.
Comment: This sequence change creates a premature translational stop signal (p.Gln35940*) in the TTN gene. While this is not anticipated to result in nonsense mediated decay, it is expected to create a truncated TTN protein. This variant is present in population databases (no rsID available, gnomAD 0.01%). This variant has not been reported in the literature in individuals affected with TTN-related conditions. This variant is located in the M band of TTN (PMID: 25589632). Truncating variants in this region have been previously reported in individuals affected with autosomal recessive myopathy and muscular dystrophy (PMID: 18948003, 23975875, 24395473). Truncating variants in this region have also been identified in individuals affected with autosomal dominant dilated cardiomyopathy and/or cardio-related conditions (PMID: 27869827, 32964742, internal data). In summary, the currently available evidence indicates that the variant is pathogenic, but additional data are needed to prove that conclusively. Therefore, this variant has been classified as Likely Pathogenic.

Literature cited by the submitters: PubMed 25589632 (cited by Variantyx, Inc. and Labcorp Genetics (formerly Invitae), Labcorp); PubMed 27869827 (cited by Variantyx, Inc. and Labcorp Genetics (formerly Invitae), Labcorp); PubMed 18948003 (cited by Labcorp Genetics (formerly Invitae), Labcorp); PubMed 23975875 (cited by Labcorp Genetics (formerly Invitae), Labcorp); PubMed 24395473 (cited by Labcorp Genetics (formerly Invitae), Labcorp); PubMed 32964742 (cited by Labcorp Genetics (formerly Invitae), Labcorp).

NM_001267550.2(TTN):c.107818C>T (p.Gln35940Ter)

Genes: TTN (titin; minus strand), TTN-AS1 (TTN antisense RNA 1; plus strand). Cytogenetic location: 2q31.2.
Variant type: single nucleotide variant.
Coding change: c.107818C>T on transcript NM_001267550.2 (MANE Select); coding-DNA position 107818, C replaced by T.
Protein change: p.Gln35940Ter; replaces glutamine 35940 with a stop codon.
Molecular consequence: nonsense.
Genome position (GRCh38, 1-based): chr2:178,527,170, G>A on the plus strand (C>T on the coding strand, the complement: TTN is on the minus strand). VCF-style: chr2-178527170-G-A. GRCh37 (hg19) VCF-style: chr2-179391897-G-A.
Other names: c.102895C>T, p.Gln34299Ter (NM_001256850.1); c.80623C>T, p.Gln26875Ter (NM_003319.4); c.100114C>T, p.Gln33372Ter (NM_133378.4); c.80998C>T, p.Gln27000Ter (NM_133432.3); c.81199C>T, p.Gln27067Ter (NM_133437.4); short protein forms Q26875*, Q27000*, Q27067*, Q33372*, Q34299*, Q35940*.
Identifiers: ClinVar variation 3340959 (VCV003340959.6).